The following is an entry in ClinVar:

NM_003239.5(TGFB3):c.1108C>G (p.Pro370Ala)

Gene: TGFB3 (transforming growth factor beta 3; minus strand). Cytogenetic location: 14q24.3.
Variant type: single nucleotide variant.
Coding change: c.1108C>G on transcript NM_003239.5 (MANE Select); coding-DNA position 1108, C replaced by G.
Protein change: p.Pro370Ala; replaces proline 370 with alanine.
Molecular consequence: missense variant.
Genome position (GRCh38, 1-based): chr14:75,959,318, G>C on the plus strand (C>G on the coding strand, the complement: TGFB3 is on the minus strand). VCF-style: chr14-75959318-G-C. GRCh37 (hg19) VCF-style: chr14-76425661-G-C.
Other names: c.1108C>G, p.Pro370Ala (NM_001329939.2); short protein forms P370A.
Identifiers: ClinVar variation 519394 (VCV000519394.5), dbSNP rs1555360046, ClinGen allele CA390467296.
Genomic context (GRCh38, chr14:75,959,318, plus strand): 5'-ACAGGATGGTCAGGGGCTCCAGGTCCTGGGGCACGCAGCAAGGCGAGGCAGATGCTTCAG[G>C]GTTCAGAGTGTTGTACAGTCCCAGCACCTGGGAAGGGACATGTCAGTGAGAGGTTGGAAG-3'
Protein context (NP_003230.1, residues 360-380): TVLGLYNTLN[Pro370Ala]EASASPCCVP

ClinVar aggregate classification (germline): Uncertain significance (1 of 4 stars; one submission).

Conditions:
Familial thoracic aortic aneurysm and aortic dissection (TAAD). Also called: Thoracic aortic aneurysms and dissections. Identifiers: Orphanet 91387, MedGen C4707243, MONDO:0019625.

Submission:

Ambry Genetics
Classification: Uncertain significance for Familial thoracic aortic aneurysm and aortic dissection. Last evaluated: 2017-02-20. Review status: criteria provided, single submitter. Criteria: Ambry Variant Classification Scheme 2023. Collection method: clinical testing. Allele origin: germline.
Comment: The p.P370A variant (also known as c.1108C>G), located in coding exon 7 of the TGFB3 gene, results from a C to G substitution at nucleotide position 1108. The proline at codon 370 is replaced by alanine, an amino acid with highly similar properties. This amino acid position is highly conserved in available vertebrate species. In addition, this alteration is predicted to be deleterious by in silico analysis. Since supporting evidence is limited at this time, the clinical significance of this alteration remains unclear.